The following is an entry in ClinVar:

ClinVar aggregate classification (germline): Uncertain significance (1 of 4 stars; one submission).

Conditions:
Hereditary spastic paraplegia 11. Also called: Spastic Paraplegia 11; SPASTIC PARAPLEGIA, AUTOSOMAL RECESSIVE, COMPLICATED, WITH THIN CORPUS CALLOSUM; SPASTIC PARAPLEGIA, AUTOSOMAL RECESSIVE, WITH MENTAL IMPAIRMENT AND THIN CORPUS CALLOSUM; Spastic paraplegia, mental retardation and thin corpus callosum; Nakamura Osame syndrome; Autosomal recessive hereditary spastic paraplegia, mental impairment, and thin corpus callosum. Identifiers: Orphanet 2822, MedGen C1858479, MONDO:0011445, OMIM 604360.

Allele frequency attached by ClinVar (database versions not stated): gnomAD exomes below 0.00001; gnomAD 0.00006 and 0.00007; TOPMed 0.00006.

Submission:

Labcorp Genetics (formerly Invitae), Labcorp
Classification: Uncertain significance for Hereditary spastic paraplegia 11. Last evaluated: 2021-10-06. Review status: criteria provided, single submitter. Criteria: Invitae Variant Classification Sherloc (09022015). Collection method: clinical testing. Allele origin: germline.
Comment: This sequence change replaces methionine with valine at codon 1924 of the SPG11 protein (p.Met1924Val). The methionine residue is weakly conserved and there is a small physicochemical difference between methionine and valine. This variant is not present in population databases (ExAC no frequency). This variant has not been reported in the literature in individuals affected with SPG11-related conditions. Algorithms developed to predict the effect of missense changes on protein structure and function output the following: SIFT: "Tolerated"; PolyPhen-2: "Benign"; Align-GVGD: "Class C0". The valine amino acid residue is found in multiple mammalian species, which suggests that this missense change does not adversely affect protein function. In summary, the available evidence is currently insufficient to determine the role of this variant in disease. Therefore, it has been classified as a Variant of Uncertain Significance.

NM_025137.4(SPG11):c.5770A>G (p.Met1924Val)

Gene: SPG11 (SPG11 vesicle trafficking associated, spatacsin; minus strand). Cytogenetic location: 15q21.1.
Variant type: single nucleotide variant.
Coding change: c.5770A>G on transcript NM_025137.4 (MANE Select); coding-DNA position 5770, A replaced by G.
Protein change: p.Met1924Val; replaces methionine 1924 with valine.
Molecular consequence: missense variant.
Genome position (GRCh38, 1-based): chr15:44,583,910, T>C on the plus strand (A>G on the coding strand, the complement: SPG11 is on the minus strand). VCF-style: chr15-44583910-T-C. GRCh37 (hg19) VCF-style: chr15-44876108-T-C.
Other names: c.5770A>G, p.Met1924Val (NM_001160227.2); short protein forms M1924V.
Identifiers: ClinVar variation 1055657 (VCV001055657.4), dbSNP rs949342628, ClinGen allele CA270079664.